The following is an entry in ClinVar:

NM_004168.4(SDHA):c.964C>G (p.Gln322Glu)

Gene: SDHA (succinate dehydrogenase complex flavoprotein subunit A; plus strand). Cytogenetic location: 5p15.33.
Variant type: single nucleotide variant.
Coding change: c.964C>G on transcript NM_004168.4 (MANE Select); coding-DNA position 964, C replaced by G.
Protein change: p.Gln322Glu; replaces glutamine 322 with glutamic acid.
Molecular consequence: missense variant.
Genome position (GRCh38, 1-based): chr5:233,545, C>G. VCF-style: chr5-233545-C-G. GRCh37 (hg19) VCF-style: chr5-233660-C-G.
Other names: c.964C>G (NM_004168.2); c.964C>G, p.Gln322Glu (NM_001330758.2); c.820C>G, p.Gln274Glu (NM_001294332.2); short protein forms Q274E, Q322E.
Identifiers: ClinVar variation 3754194 (VCV003754194.3).

ClinVar aggregate classification (germline): Uncertain significance. Review status: criteria provided, multiple submitters, no conflicts (2 of 4 stars). 2 submissions from 2 submitters: Uncertain significance (2). Last evaluated 2026-07-06.

Conditions:
Hereditary cancer-predisposing syndrome. Also called: Tumor predisposition; Hereditary neoplastic syndrome; Hereditary Cancer Syndrome; Neoplastic Syndromes, Hereditary. Identifiers: Orphanet 140162, MedGen C0027672, MeSH D009386, MONDO:0015356.
Mitochondrial complex II deficiency, nuclear type 1. Also called: SUCCINATE CoQ REDUCTASE DEFICIENCY. Identifiers: Orphanet 3208, MedGen C5700310, MONDO:0100294, OMIM 252011.
Pheochromocytoma/paraganglioma syndrome 5. Also called: Paragangliomas 5; SDHA-Related Hereditary Paraganglioma-Pheochromocytoma Syndrome. Identifiers: Orphanet 29072, MedGen C3279992, MONDO:0013602, OMIM 614165.

Submissions (2):

Ambry Genetics
Classification: Uncertain significance for Hereditary cancer-predisposing syndrome. Last evaluated: 2026-07-06. Review status: criteria provided, single submitter. Criteria: Ambry Variant Classification Scheme 2023. Collection method: clinical testing. Allele origin: germline.
Comment: The p.Q322E variant (also known as c.964C>G), located in coding exon 8 of the SDHA gene, results from a C to G substitution at nucleotide position 964. The glutamine at codon 322 is replaced by glutamic acid, an amino acid with highly similar properties. This amino acid position is conserved. In addition, this alteration is predicted to be tolerated by in silico analysis. Based on the available evidence, the clinical significance of this variant remains unclear.

Labcorp Genetics (formerly Invitae), Labcorp
Classification: Uncertain significance for Pheochromocytoma/paraganglioma syndrome 5; Mitochondrial complex II deficiency, nuclear type 1. Last evaluated: 2025-05-04. Review status: criteria provided, single submitter. Criteria: Invitae Variant Classification Sherloc (09022015). Collection method: clinical testing. Allele origin: germline.
Comment: This sequence change replaces glutamine, which is neutral and polar, with glutamic acid, which is acidic and polar, at codon 322 of the SDHA protein (p.Gln322Glu). This variant is not present in population databases (gnomAD no frequency). This variant has not been reported in the literature in individuals affected with SDHA-related conditions. ClinVar contains an entry for this variant (Variation ID: 3754194). Invitae Evidence Modeling of protein sequence and biophysical properties (such as structural, functional, and spatial information, amino acid conservation, physicochemical variation, residue mobility, and thermodynamic stability) indicates that this missense variant is not expected to disrupt SDHA protein function with a negative predictive value of 95%. In summary, the available evidence is currently insufficient to determine the role of this variant in disease. Therefore, it has been classified as a Variant of Uncertain Significance.